The following is an entry in ClinVar:

NM_206933.4(USH2A):c.10342G>A (p.Glu3448Lys)

Gene: USH2A (usherin; minus strand). Cytogenetic location: 1q41.
Variant type: single nucleotide variant.
Coding change: c.10342G>A on transcript NM_206933.4 (MANE Select); coding-DNA position 10342, G replaced by A.
Protein change: p.Glu3448Lys; replaces glutamic acid 3448 with lysine.
Molecular consequence: missense variant.
Genome position (GRCh38, 1-based): chr1:215,786,715, C>T on the plus strand (G>A on the coding strand, the complement: USH2A is on the minus strand). VCF-style: chr1-215786715-C-T. GRCh37 (hg19) VCF-style: chr1-215960057-C-T.
Other names: short protein forms E3448K.
Identifiers: ClinVar variation 209203 (VCV000209203.80), dbSNP rs368049814, ClinGen allele CA276181.

ClinVar aggregate classification (germline): Pathogenic/Likely pathogenic. Review status: criteria provided, multiple submitters, no conflicts (2 of 4 stars). 22 submissions from 21 submitters: Pathogenic (13); Likely pathogenic (7). 2 of the submissions do not count toward it. Last evaluated 2026-08-11.

Conditions:
Usher syndrome. Also called: Usher Syndromes; Usher's syndrome. Identifiers: Orphanet 886, MedGen CN469326, MeSH D052245, MONDO:0019501. Disease mechanism: loss of function.
USH2A-related disorder. Also called: USH2A-related disorders; USH2A-related condition. Identifiers: MedGen CN239332.
Retinitis pigmentosa 39 (RP39). Identifiers: Orphanet 791, MedGen C3151138, MONDO:0013436, OMIM 613809.
Usher syndrome type 2A. Also called: RETINAL DISEASE IN USHER SYNDROME TYPE IIA, MODIFIER OF; USHER SYNDROME, TYPE IIA. Identifiers: Orphanet 231178, Orphanet 886, MedGen C1848634, MONDO:0010169, OMIM 276901.
Retinal dystrophy. Also called: Inherited retinal dystrophy. Identifiers: Orphanet 71862, MedGen C0854723, MeSH D058499, MONDO:0019118, HP:0000556.
Retinitis pigmentosa (RP). Identifiers: Orphanet 791, MedGen C0035334, MeSH D012174, MONDO:0019200, OMIM 268000. Inheritance: Autosomal dominant, autosomal recessive and X linked inheritance.
Retinal disorder. Also called: Retinopathy; Retinopathies; Retinal Diseases; Retinal disorders. Identifiers: MedGen C0035309, MONDO:0005283, HP:0000488.

Allele frequency attached by ClinVar (database versions not stated): gnomAD 0.00008 and 0.00007; gnomAD exomes 0.00008 and 0.00004; ExAC 0.00002; TOPMed 0.00006; ESP Exome Variant Server 0.00008.
gnomAD v4.1: 124 of 1,613,840 alleles (0.0077%); highest among the groups gnomAD compares: Middle Eastern, 0.016%; no homozygotes.

Submissions 1 to 10 of 22:

PreventionGenetics, part of Exact Sciences
Classification: Pathogenic for USH2A-related condition. Last evaluated: 2026-08-11. Review status: criteria provided, single submitter. Criteria: ACMG Guidelines, 2015. Collection method: clinical testing. Allele origin: germline.
Comment: The USH2A c.10342G>A variant is predicted to result in the amino acid substitution p.Glu3448Lys. This variant has been reported in the compound heterozygous state in patients with autosomal recessive Usher syndrome or retinal dystrophy (see, for example, Iglesias et al. 2014. PubMed ID: 24901346; Eisenberger et al. 2013. PubMed ID: 24265693; Jones et al. 2017. PubMed ID: 28761320; supplementary data, Consugar et al. 2016. PubMed ID: 25412400; Ge et al. 2015. PubMed ID: 26667666; Maranhao et al. 2014. PubMed ID: 24603341). It has been reported in the homozygous state in an individual with maculopathy (Bhatter et al. 2025. PubMed ID: 40624766). We have also observed this variant at PreventionGenetics in several patients along with a second causative variant (internal data). This variant is reported in 0.0093% of alleles in individuals of European (Non-Finnish) descent in gnomAD. This variant is interpreted as pathogenic.

GeneDx
Classification: Likely pathogenic. Last evaluated: 2026-06-09. Review status: criteria provided, single submitter. Criteria: GeneDx Variant Classification Process June 2021. Collection method: clinical testing. Allele origin: germline.
Comment: In silico analysis suggests that this missense variant does not alter protein structure/function; This variant is associated with the following publications: (PMID: 24265693, 26667666, 28041643, 25412400, 20507924, 27160483, 24901346, 32675063, 24603341, 28761320, 36819107, 36672815, 37217489, 28981474, 32176120, 39425040, 39016003, 35266249, 31964843, 31429209, 36003347, 34906470, 32037395, 32188678, 36011334, 37734845, 38219857, 38927562, 40624766)

Natera, Inc.
Classification: Pathogenic for Usher syndrome type 2A. Last evaluated: 2026-01-30. Review status: criteria provided, single submitter. Criteria: Natera Variant Classification Schema (03/2026). Collection method: clinical testing. Allele origin: germline.
Comment: The c.10342G>A variant in USH2A is a missense variant predicted to cause substitution of glutamic acid to lysine at amino acid 3448. This variant is rare in the general population with a frequency below the threshold expected for the associated phenotype(s). This variant has been observed in one or more individuals affected with the associated recessive disease, as either homozygous or compound heterozygous with a second variant (PMID: 36003347, 32176120, 32188678, 28981474, 28761320, 26667666, 24265693). Computational prediction algorithms indicate this variant is likely to affect gene or protein function. Given the available evidence, this variant is classified as Pathogenic.

Labcorp Genetics (formerly Invitae), Labcorp
Classification: Pathogenic. Last evaluated: 2025-05-07. Review status: criteria provided, single submitter. Criteria: Invitae Variant Classification Sherloc (09022015). Collection method: clinical testing. Allele origin: germline.
Comment: This sequence change replaces glutamic acid, which is acidic and polar, with lysine, which is basic and polar, at codon 3448 of the USH2A protein (p.Glu3448Lys). This variant is present in population databases (rs368049814, gnomAD 0.008%). This missense change has been observed in individual(s) with retinitis pigmentosa (PMID: 24265693, 26667666, 28761320, 28981474). In at least one individual the data is consistent with being in trans (on the opposite chromosome) from a pathogenic variant. ClinVar contains an entry for this variant (Variation ID: 209203). Invitae Evidence Modeling of protein sequence and biophysical properties (such as structural, functional, and spatial information, amino acid conservation, physicochemical variation, residue mobility, and thermodynamic stability) has been performed for this missense variant. However, the output from this modeling did not meet the statistical confidence thresholds required to predict the impact of this variant on USH2A protein function. Algorithms developed to predict the effect of sequence changes on RNA splicing suggest that this variant may disrupt the consensus splice site. For these reasons, this variant has been classified as Pathogenic.

3billion
Classification: Pathogenic for Retinitis pigmentosa 39. Last evaluated: 2025-03-10. Review status: criteria provided, single submitter. Criteria: ACMG Guidelines, 2015. Collection method: clinical testing. Allele origin: germline. Affected: yes.
Comment: The variant is observed at an extremely low frequency in the gnomAD v4.1.0 dataset (total allele frequency: 0.008%). Predicted Consequence/Location: Missense variant. The majority of the known disease-causing variants of this gene are variants expected to result in premature termination of the protein. The same nucleotide change resulting in the same amino acid change has been previously reported as pathogenic/likely pathogenic with strong evidence (ClinVar ID: VCV000209203 / PMID: 24265693 / 3billion dataset). The variant has been reported to be in trans with a pathogenic variant as either compound heterozygous or homozygous in at least 2 similarly affected unrelated individuals (PMID: 24265693, 36672815). A different missense change at the same codon (p.Glu3448Gln) has been reported to be associated with USH2A-related disorder (ClinVar ID: VCV003249445). Therefore, this variant is classified as Pathogenic according to the recommendation of ACMG/AMP guideline.

Victorian Clinical Genetics Services, Murdoch Childrens Research Institute
Classification: Pathogenic for Usher syndrome type 2A. Last evaluated: 2024-11-25. Review status: criteria provided, single submitter. Criteria: ACMG Guidelines, 2015. Collection method: clinical testing. Allele origin: germline.
Comment: This variant is classified as Pathogenic. Evidence in support of pathogenic classification: Variant is present in gnomAD <0.01 for a recessive condition (v4: 124 heterozygote(s), 0 homozygote(s)); This variant has strong previous evidence of pathogenicity in unrelated individuals. This variant has been classified as pathogenic and likely pathogenic by multiple clinical laboratories (ClinVar). It has also been reported in at least nine unrelated individuals with Usher syndrome or retinitis pigmentosa (PMID: 28041643, 32176120, 36003347, 36011334). Additional information: Variant is predicted to result in a missense amino acid change from glutamic acid to lysine; This variant is heterozygous; This gene is associated with autosomal recessive disease; Missense variant with an inconclusive in silico prediction and uninformative conservation; Loss of function is a known mechanism of disease in this gene and is associated with Usher syndrome, type 2A (MIM#276901) and retinitis pigmentosa (RP; MIM#6138093). Null variants are associated with Usher syndrome, while homozygous missense variants which lead to partially functional proteins typically cause non-syndromic RP (PMID: 20301515).

Blueprint Genetics
Classification: Pathogenic for USH2A-related disorders. Last evaluated: 2024-10-25. Review status: criteria provided, single submitter. Criteria: ACMG Guidelines, 2015. Collection method: clinical testing. Allele origin: germline. Affected: yes. Observed: 5 variant alleles.

Baylor Genetics
Classification: Pathogenic for Retinitis pigmentosa 39. Last evaluated: 2024-03-27. Review status: criteria provided, single submitter. Criteria: ACMG Guidelines, 2015. Collection method: clinical testing. Allele origin: unknown. Study: Adult_WES.

Revvity Omics, Revvity
Classification: Likely pathogenic. Last evaluated: 2022-08-30. Review status: criteria provided, single submitter. Criteria: ACMG Guidelines, 2015. Collection method: clinical testing. Allele origin: germline.

AURAGEN, Plan France Médecine Génomique
Classification: Pathogenic for Retinal disorder. Last evaluated: 2022-04-22. Review status: criteria provided, single submitter. Criteria: PFMG2025 (Lancet Reg Health Eur. 2025). Collection method: clinical testing. Allele origin: germline. Affected: yes.